The following is an entry in ClinVar:

ClinVar aggregate classification (germline): Uncertain significance (1 of 4 stars; one submission).

Conditions:
Jeune thoracic dystrophy. Also called: Short-rib thoracic dysplasia; Jeune syndrome; Infantile thoracic dystrophy; Thoracic pelvic phalangeal dystrophy; Jeune's syndrome; Chondroectodermal dysplasia-like syndrome. Identifiers: Orphanet 474, MedGen C0265275, MONDO:0018770.

Allele frequency attached by ClinVar (database versions not stated): gnomAD exomes below 0.00001.
gnomAD v4.1: 1 of 1,601,242 alleles (0.000062%); highest among the groups gnomAD compares: South Asian, 0.0011%; no homozygotes.

Submission:

Labcorp Genetics (formerly Invitae), Labcorp
Classification: Uncertain significance for Jeune thoracic dystrophy. Last evaluated: 2022-08-09. Review status: criteria provided, single submitter. Criteria: Invitae Variant Classification Sherloc (09022015). Collection method: clinical testing. Allele origin: germline.
Comment: This sequence change replaces glutamine, which is neutral and polar, with arginine, which is basic and polar, at codon 3489 of the DYNC2H1 protein (p.Gln3489Arg). This variant is not present in population databases (gnomAD no frequency). This variant has not been reported in the literature in individuals affected with DYNC2H1-related conditions. Advanced modeling of protein sequence and biophysical properties (such as structural, functional, and spatial information, amino acid conservation, physicochemical variation, residue mobility, and thermodynamic stability) performed at Invitae indicates that this missense variant is not expected to disrupt DYNC2H1 protein function. In summary, the available evidence is currently insufficient to determine the role of this variant in disease. Therefore, it has been classified as a Variant of Uncertain Significance.

NM_001377.3(DYNC2H1):c.10445A>G (p.Gln3482Arg)

Gene: DYNC2H1 (dynein cytoplasmic 2 heavy chain 1; plus strand). Cytogenetic location: 11q22.3.
Variant type: single nucleotide variant.
Coding change: c.10445A>G on transcript NM_001377.3 (MANE Select); coding-DNA position 10445, A replaced by G.
Protein change: p.Gln3482Arg; replaces glutamine 3482 with arginine.
Molecular consequence: missense variant.
Genome position (GRCh38, 1-based): chr11:103,256,224, A>G. VCF-style: chr11-103256224-A-G. GRCh37 (hg19) VCF-style: chr11-103126953-A-G.
Other names: c.10466A>G, p.Gln3489Arg (NM_001080463.2); short protein forms Q3489R, Q3482R.
Identifiers: ClinVar variation 2002373 (VCV002002373.1), dbSNP rs2496645519, ClinGen allele CA382249719.
Genomic context (GRCh38, chr11:103,256,224, plus strand): 5'-ATCAGACAAAAGCAAGCAGTGCACTTATTCAAGAGTCACTTAAAGAATCTTACAAACTCC[A>G]AATTTCCCTTGATCAAGTAATTATTTCCTTCTTTGTAATTTCGTATTATGTTTTCTTGAA-3'
Protein context (NP_001368.2, residues 3472-3492): QESLKESYKL[Gln3482Arg]ISLDQERDAY